The following is an entry in ClinVar:

ClinVar aggregate classification (germline): Uncertain significance (1 of 4 stars; one submission).

Submission:

GeneDx
Classification: Uncertain significance. Last evaluated: 2025-05-01. Review status: criteria provided, single submitter. Criteria: GeneDx Variant Classification Process June 2021. Collection method: clinical testing. Allele origin: germline. Affected: yes.
Comment: Not observed at significant frequency in large population cohorts (gnomAD); In-frame duplication of 3 amino acid(s) in a non-repeat region; Has not been previously published as pathogenic or benign to our knowledge

NM_021224.6(ZNF462):c.1680_1688dup (p.Gln564_Pro565insGlnProGln)

Gene: ZNF462 (zinc finger protein 462; plus strand). Cytogenetic location: 9q31.2.
Variant type: Duplication.
Coding change: c.1680_1688dup on transcript NM_021224.6 (MANE Select); coding-DNA positions 1680 to 1688, 9 bases duplicated (GCAGCAGCC; older notation c.1680_1688dupGCAGCAGCC).
Protein change: p.Gln564_Pro565insGlnProGln.
Genome position (GRCh38, 1-based): chr9:106,925,592-106,925,600, GCAGCAGCC duplicated. VCF-style (leftmost placement, unchanged base first): chr9-106925591-T-TGCAGCAGCC. GRCh37 (hg19) VCF-style: chr9-109687872-T-TGCAGCAGCC.
Other names: c.1680_1688dup, p.Gln564_Pro565insGlnProGln (NM_001347997.2).
Identifiers: ClinVar variation 4527937 (VCV004527937.1).